The following is an entry in ClinVar:

NM_032578.4(MYPN):c.903-6355C>T

Gene: MYPN (myopalladin; plus strand). Cytogenetic location: 10q21.3.
Variant type: single nucleotide variant.
Coding change: c.903-6355C>T on transcript NM_032578.4 (MANE Select); 6355 bases into the intron before coding-DNA position 903, C replaced by T.
Molecular consequence: intron variant.
Genome position (GRCh38, 1-based): chr10:68,136,585, C>T. VCF-style: chr10-68136585-C-T. GRCh37 (hg19) VCF-style: chr10-69896342-C-T.
Other names: c.903-6355C>T (NM_001256267.2); c.-112-15C>T (NM_001256268.2).
Identifiers: ClinVar variation 378223 (VCV000378223.2), dbSNP rs115993393, ClinGen allele CA16605665.

ClinVar aggregate classification (germline): Benign. Review status: criteria provided, multiple submitters, no conflicts (2 of 4 stars). 2 submissions from 2 submitters: Benign (2). Last evaluated 2015-04-21.

Allele frequency attached by ClinVar (database versions not stated): gnomAD exomes 0.00069; gnomAD 0.00284 and 0.00288; TOPMed 0.00314; 1000 Genomes Project 0.00539; 1000 Genomes Project 30x 0.00562.
gnomAD v4.1: 1,390 of 1,494,664 alleles (0.093%); highest among the groups gnomAD compares: East Asian, 1.2%; 13 homozygotes.

Submissions (2):

GeneDx
Classification: Benign. Last evaluated: 2015-04-21. Review status: criteria provided, single submitter. Criteria: GeneDx Variant Classification (06012015). Collection method: clinical testing. Allele origin: germline. Affected: yes.
Comment: This variant is considered likely benign or benign based on one or more of the following criteria: it is a conservative change, it occurs at a poorly conserved position in the protein, it is predicted to be benign by multiple in silico algorithms, and/or has population frequency not consistent with disease.

Breakthrough Genomics
Classification: Benign. Review status: criteria provided, single submitter. Criteria: ACMG Guidelines, 2015. Collection method: not provided. Allele origin: germline. Inheritance: Autosomal recessive inheritance. Affected: yes.